The following is an entry in ClinVar:

NM_004360.5(CDH1):c.2343A>G (p.Glu781=)

Gene: CDH1 (cadherin 1; plus strand). Cytogenetic location: 16q22.1.
Variant type: single nucleotide variant.
Coding change: c.2343A>G on transcript NM_004360.5 (MANE Select); coding-DNA position 2343, A replaced by G.
Protein change: p.Glu781=; no amino-acid change (glutamic acid 781 retained).
Molecular consequence: synonymous variant.
Genome position (GRCh38, 1-based): chr16:68,829,701, A>G. VCF-style: chr16-68829701-A-G. GRCh37 (hg19) VCF-style: chr16-68863604-A-G.
Other names: c.2343A>G (LRG_301t1); c.2160A>G, p.Glu720= (NM_001317184.2); c.795A>G, p.Glu265= (NM_001317185.2); c.378A>G, p.Glu126= (NM_001317186.2).
Identifiers: ClinVar variation 184599 (VCV000184599.20), dbSNP rs587780119, ClinGen allele CA189425.

ClinVar aggregate classification (germline): Conflicting classifications of pathogenicity. Review status: criteria provided, conflicting classifications (1 of 4 stars). 5 submissions from 5 submitters: Uncertain significance (1); Likely benign (4). Last evaluated 2025-09-14.

Conditions:
Hereditary cancer-predisposing syndrome. Also called: Tumor predisposition; Hereditary Cancer Syndrome; Hereditary neoplastic syndrome; Neoplastic Syndromes, Hereditary. Identifiers: Orphanet 140162, MedGen C0027672, MeSH D009386, MONDO:0015356.
Hereditary diffuse gastric adenocarcinoma (HDGC). Also called: DIFFUSE GASTRIC AND LOBULAR BREAST CANCER SYNDROME. Identifiers: Orphanet 26106, MedGen C1708349, MONDO:0007648, OMIM 137215.

Allele frequency attached by ClinVar (database versions not stated): TOPMed 0.00002.
gnomAD v4.1: 1 of 1,614,154 alleles (0.000062%); highest among the groups gnomAD compares: Non-Finnish European, 0.000085%; no homozygotes.

Submissions (5):

Labcorp Genetics (formerly Invitae), Labcorp
Classification: Likely benign for Hereditary diffuse gastric adenocarcinoma. Last evaluated: 2025-09-14. Review status: criteria provided, single submitter. Criteria: Invitae Variant Classification Sherloc (09022015). Collection method: clinical testing. Allele origin: germline.

GeneDx
Classification: Likely benign. Last evaluated: 2020-03-09. Review status: criteria provided, single submitter. Criteria: GeneDx Variant Classification Process June 2021. Collection method: clinical testing. Allele origin: germline. Affected: yes.

Women's Health and Genetics/Laboratory Corporation of America, LabCorp
Classification: Uncertain significance. Last evaluated: 2019-08-29. Review status: criteria provided, single submitter. Criteria: LabCorp Variant Classification Summary - May 2015. Collection method: clinical testing. Allele origin: germline.
Comment: Variant summary: CDH1 c.2343A>G alters a non-conserved nucleotide resulting in a synonymous change. 4/5 computational tools via ALAMUT predict that the variant could impact normal splicing by creating or strengthening a cryptic exonic 5' donor site. Another in-silico tool for assessing the pathogenicity of synonymous variants, namely TraP (Transcript-inferred Pathogenicity, Gelfman_2017) predicts this variant to be possibly pathogenic. However, these predictions have yet to be confirmed by functional studies. The variant was absent in 251468 control chromosomes (gnomAD). The available data on variant occurrences in the general population are insufficient to allow any conclusion about variant significance. To our knowledge, no occurrence of c.2343A>G in individuals affected with Hereditary Diffuse Gastric Cancer and no experimental evidence demonstrating the variant's impact on protein function have been reported. Four other clinical diagnostic laboratories have submitted clinical-significance assessments for this variant to ClinVar (evaluation after 2014): Three laboratories cited the variant as likely benign and one laboratory cited the variant as uncertain significance. Based on the evidence outlined above, the variant was classified as VUS-possibly benign.

Color Diagnostics, LLC DBA Color Health
Classification: Likely benign for Hereditary cancer-predisposing syndrome. Last evaluated: 2018-04-12. Review status: criteria provided, single submitter. Criteria: ACMG Guidelines, 2015. Collection method: clinical testing. Allele origin: germline.

Ambry Genetics
Classification: Likely benign for Hereditary cancer-predisposing syndrome. Last evaluated: 2017-10-19. Review status: criteria provided, single submitter. Criteria: Ambry Variant Classification Scheme 2023. Collection method: clinical testing. Allele origin: germline.